The following is an entry in ClinVar:

NM_004064.5(CDKN1B):c.573dup (p.Gly192fs)

Gene: CDKN1B (cyclin dependent kinase inhibitor 1B; plus strand). Cytogenetic location: 12p13.1.
Variant type: Duplication.
Coding change: c.573dup on transcript NM_004064.5 (MANE Select); coding-DNA position 573, one base duplicated (T; older notation c.573dupT).
Protein change: p.Gly192fs; shifts the reading frame from glycine 192.
Molecular consequence: frameshift variant.
Genome position (GRCh38, 1-based): chr12:12,718,922, T duplicated. VCF-style (leftmost placement, unchanged base first): chr12-12718921-C-CT. GRCh37 (hg19) VCF-style: chr12-12871855-C-CT.
Other names: short protein forms G192fs.
Identifiers: ClinVar variation 1020133 (VCV001020133.9), dbSNP rs1946513323, ClinGen allele CA2017048257.

ClinVar aggregate classification (germline): Uncertain significance. Review status: criteria provided, multiple submitters, no conflicts (2 of 4 stars). 2 submissions from 2 submitters: Uncertain significance (2). Last evaluated 2022-07-11.

Conditions:
Hereditary cancer-predisposing syndrome. Also called: Hereditary neoplastic syndrome; Neoplastic Syndromes, Hereditary; Tumor predisposition; Hereditary Cancer Syndrome. Identifiers: Orphanet 140162, MedGen C0027672, MeSH D009386, MONDO:0015356.
Multiple endocrine neoplasia type 4. Also called: MULTIPLE ENDOCRINE NEOPLASIA, TYPE IV. Identifiers: Orphanet 276152, MedGen C1970712, MONDO:0012552, OMIM 610755.

Submissions (2):

Ambry Genetics
Classification: Uncertain significance for Hereditary cancer-predisposing syndrome. Last evaluated: 2022-07-11. Review status: criteria provided, single submitter. Criteria: Ambry Variant Classification Scheme 2023. Collection method: clinical testing. Allele origin: germline.
Comment: The c.573dupT variant, located in coding exon 2 of the CDKN1B gene, results from a duplication of T at nucleotide position 573, causing a translational frameshift with a predicted alternate stop codon (p.G192Wfs*13). This alteration occurs at the 3' terminus of theCDKN1B gene, is not expected to trigger nonsense-mediated mRNAdecay and results in the elongation of the protein by 5 amino acids. This frameshift impacts the last 7amino acids of the native protein. The exact functional effect of the altered amino acids is unknown. Since supporting evidence is limited at this time, the clinical significance of this alteration remains unclear.

Labcorp Genetics (formerly Invitae), Labcorp
Classification: Uncertain significance for Multiple endocrine neoplasia type 4. Last evaluated: 2021-07-22. Review status: criteria provided, single submitter. Criteria: Invitae Variant Classification Sherloc (09022015). Collection method: clinical testing. Allele origin: germline.
Comment: In summary, the available evidence is currently insufficient to determine the role of this variant in disease. Therefore, it has been classified as a Variant of Uncertain Significance. Experimental studies and prediction algorithms are not available or were not evaluated, and the functional significance of this variant is currently unknown. This variant has not been reported in the literature in individuals with CDKN1B-related conditions. This variant is not present in population databases (ExAC no frequency). This sequence change results in a frameshift in the CDKN1B gene (p.Gly192Trpfs*13). While this is not anticipated to result in nonsense mediated decay, it is expected to disrupt the last 7 amino acid(s) of the CDKN1B protein and extend the protein by 5 additional amino acid residues.